The following is an entry in ClinVar:

NM_000057.4(BLM):c.3832G>A (p.Val1278Met)

Gene: BLM (BLM RecQ like helicase; plus strand). Cytogenetic location: 15q26.1.
Variant type: single nucleotide variant.
Coding change: c.3832G>A on transcript NM_000057.4 (MANE Select); coding-DNA position 3832, G replaced by A.
Protein change: p.Val1278Met; replaces valine 1278 with methionine.
Molecular consequence: missense variant.
Genome position (GRCh38, 1-based): chr15:90,809,217, G>A. VCF-style: chr15-90809217-G-A. GRCh37 (hg19) VCF-style: chr15-91352447-G-A.
Other names: c.3832G>A, p.Val1278Met (NM_001287246.2); c.3439G>A, p.Val1147Met (NM_001287247.2); c.2707G>A, p.Val903Met (NM_001287248.2); short protein forms V903M, V1278M, V1147M.
Identifiers: ClinVar variation 4211824 (VCV004211824.1).

ClinVar aggregate classification (germline): Uncertain significance (1 of 4 stars; one submission).

Conditions:
Hereditary cancer-predisposing syndrome. Also called: Neoplastic Syndromes, Hereditary; Tumor predisposition; Hereditary Cancer Syndrome; Hereditary neoplastic syndrome. Identifiers: Orphanet 140162, MedGen C0027672, MeSH D009386, MONDO:0015356.

gnomAD v4.1: 6 of 1,614,216 alleles (0.00037%); highest among the groups gnomAD compares: Non-Finnish European, 0.00051%; no homozygotes.

Submission:

Ambry Genetics
Classification: Uncertain significance for Hereditary cancer-predisposing syndrome. Last evaluated: 2025-07-20. Review status: criteria provided, single submitter. Criteria: Ambry Variant Classification Scheme 2023. Collection method: clinical testing. Allele origin: germline.
Comment: The p.V1278M variant (also known as c.3832G>A), located in coding exon 19 of the BLM gene, results from a G to A substitution at nucleotide position 3832. The valine at codon 1278 is replaced by methionine, an amino acid with highly similar properties. This amino acid position is conserved. In addition, this alteration is predicted to be tolerated by in silico analysis. Based on the available evidence, the clinical significance of this variant remains unclear.